The following is an entry in ClinVar:

ClinVar aggregate classification (germline): Uncertain significance (1 of 4 stars; one submission).

Conditions:
Hereditary cancer-predisposing syndrome. Also called: Tumor predisposition; Hereditary Cancer Syndrome; Hereditary neoplastic syndrome; Neoplastic Syndromes, Hereditary. Identifiers: Orphanet 140162, MedGen C0027672, MeSH D009386, MONDO:0015356.

Submission:

Labcorp Genetics (formerly Invitae), Labcorp
Classification: Uncertain significance for Hereditary cancer-predisposing syndrome. Last evaluated: 2022-10-20. Review status: criteria provided, single submitter. Criteria: Invitae Variant Classification Sherloc (09022015). Collection method: clinical testing. Allele origin: germline.
Comment: In summary, the available evidence is currently insufficient to determine the role of this variant in disease. Therefore, it has been classified as a Variant of Uncertain Significance. Advanced modeling of protein sequence and biophysical properties (such as structural, functional, and spatial information, amino acid conservation, physicochemical variation, residue mobility, and thermodynamic stability) performed at Invitae indicates that this missense variant is not expected to disrupt RAD50 protein function. This variant has not been reported in the literature in individuals affected with RAD50-related conditions. This variant is not present in population databases (gnomAD no frequency). This sequence change replaces aspartic acid, which is acidic and polar, with alanine, which is neutral and non-polar, at codon 641 of the RAD50 protein (p.Asp641Ala).

NM_005732.4(RAD50):c.1922A>C (p.Asp641Ala)

Gene: RAD50 (RAD50 double strand break repair protein; plus strand). Cytogenetic location: 5q31.1.
Variant type: single nucleotide variant.
Coding change: c.1922A>C on transcript NM_005732.4 (MANE Select); coding-DNA position 1922, A replaced by C.
Protein change: p.Asp641Ala; replaces aspartic acid 641 with alanine.
Molecular consequence: missense variant.
Genome position (GRCh38, 1-based): chr5:132,594,997, A>C. VCF-style: chr5-132594997-A-C. GRCh37 (hg19) VCF-style: chr5-131930689-A-C.
Other names: short protein forms D641A.
Identifiers: ClinVar variation 2809112 (VCV002809112.3), dbSNP rs1750764529, ClinGen allele CA360948253.